The following is an entry in ClinVar:

ClinVar aggregate classification (germline): Likely benign. Review status: criteria provided, multiple submitters, no conflicts (2 of 4 stars). 2 submissions from 2 submitters: Likely benign (2). Last evaluated 2025-10-15.

Conditions:
CILK1-related disorder. Also called: CILK1-related condition.

Submissions (2):

Labcorp Genetics (formerly Invitae), Labcorp
Classification: Likely benign. Last evaluated: 2025-10-15. Review status: criteria provided, single submitter. Criteria: Invitae Variant Classification Sherloc (09022015). Collection method: clinical testing. Allele origin: germline.

PreventionGenetics, part of Exact Sciences
Classification: Likely benign for CILK1-related condition. Last evaluated: 2024-12-27. Review status: criteria provided, single submitter. Criteria: ACMG Guidelines, 2015. Collection method: clinical testing. Allele origin: germline.
Comment: This variant is classified as likely benign based on ACMG/AMP sequence variant interpretation guidelines (Richards et al. 2015 PMID: 25741868, with internal and published modifications).

NM_014920.5(CILK1):c.1745-7A>C

Gene: CILK1 (ciliogenesis associated kinase 1; minus strand). Cytogenetic location: 6p12.1.
Variant type: single nucleotide variant.
Coding change: c.1745-7A>C on transcript NM_014920.5 (MANE Select); 7 bases into the intron before coding-DNA position 1745, A replaced by C.
Molecular consequence: intron variant.
Genome position (GRCh38, 1-based): chr6:53,005,310, T>G on the plus strand (A>C on the coding strand, the complement: CILK1 is on the minus strand). VCF-style: chr6-53005310-T-G. GRCh37 (hg19) VCF-style: chr6-52870108-T-G.
Other names: c.1766-7A>C (NM_001375397.1); c.1745-7A>C (NM_001375400.1, NM_016513.5, NM_001375401.1 and 4 more transcripts).
Identifiers: ClinVar variation 4724501 (VCV004724501.2).